The following is an entry in ClinVar:

ClinVar aggregate classification (germline): Likely benign (0 of 4 stars; one submission).

Conditions:
SEMA3A-related disorder. Also called: SEMA3A-related condition.

gnomAD v4.1: 8 of 1,613,164 alleles (0.0005%); highest among the groups gnomAD compares: East Asian, 0.0089%; no homozygotes.

Submission:

PreventionGenetics, part of Exact Sciences
Classification: Likely benign for SEMA3A-related condition. Last evaluated: 2024-03-29. Review status: no assertion criteria provided. Collection method: clinical testing. Allele origin: germline.
Comment: This variant is classified as likely benign based on ACMG/AMP sequence variant interpretation guidelines (Richards et al. 2015 PMID: 25741868, with internal and published modifications).

NM_006080.3(SEMA3A):c.729A>G (p.Val243=)

Gene: SEMA3A (semaphorin 3A; minus strand). Cytogenetic location: 7q21.11.
Variant type: single nucleotide variant.
Coding change: c.729A>G on transcript NM_006080.3 (MANE Select); coding-DNA position 729, A replaced by G.
Protein change: p.Val243=; no amino-acid change (valine 243 retained).
Molecular consequence: synonymous variant.
Genome position (GRCh38, 1-based): chr7:84,014,290, T>C on the plus strand (A>G on the coding strand, the complement: SEMA3A is on the minus strand). VCF-style: chr7-84014290-T-C. GRCh37 (hg19) VCF-style: chr7-83643606-T-C.
Identifiers: ClinVar variation 3355453 (VCV003355453.1).